The following is an entry in ClinVar:

NM_003322.6(TULP1):c.726del (p.Gly244fs)

Gene: TULP1 (TUB like protein 1; minus strand). Cytogenetic location: 6p21.31.
Variant type: Deletion.
Coding change: c.726del on transcript NM_003322.6 (MANE Select); coding-DNA position 726, one base deleted (C; older notation c.726delC).
Protein change: p.Gly244fs; shifts the reading frame from glycine 244.
Molecular consequence: frameshift variant.
Genome position (GRCh38, 1-based): chr6:35,509,305, G deleted on the plus strand (C on the coding strand, the reverse complement: TULP1 is on the minus strand); the first of 3 consecutive G bases (chr6:35,509,305-35,509,307); deleting any one gives the same sequence. VCF-style (leftmost placement, unchanged base first): chr6-35509304-TG-T. GRCh37 (hg19) VCF-style: chr6-35477081-TG-T.
Other names: c.567del, p.Gly191fs (NM_001289395.2); short protein forms G244fs, G191fs.
Identifiers: ClinVar variation 1391250 (VCV001391250.6), dbSNP rs2150927060, ClinGen allele CA2573140323.

ClinVar aggregate classification (germline): Pathogenic (1 of 4 stars; one submission).

Submission:

Labcorp Genetics (formerly Invitae), Labcorp
Classification: Pathogenic. Last evaluated: 2022-03-10. Review status: criteria provided, single submitter. Criteria: Invitae Variant Classification Sherloc (09022015). Collection method: clinical testing. Allele origin: germline.
Comment: This variant is not present in population databases (gnomAD no frequency). This sequence change creates a premature translational stop signal (p.Gly244Alafs*15) in the TULP1 gene. It is expected to result in an absent or disrupted protein product. Loss-of-function variants in TULP1 are known to be pathogenic (PMID: 8606774, 10549638, 15024725, 18055821). For these reasons, this variant has been classified as Pathogenic. This variant has not been reported in the literature in individuals affected with TULP1-related conditions.

Literature cited by the submitters: PubMed 8606774; PubMed 10549638; PubMed 15024725; PubMed 18055821.